The following is an entry in ClinVar:

ClinVar aggregate classification (germline): Uncertain significance. Review status: criteria provided, multiple submitters, no conflicts (2 of 4 stars). 2 submissions from 2 submitters: Uncertain significance (2). Last evaluated 2026-08-31.

Conditions:
Hereditary cancer-predisposing syndrome. Also called: Tumor predisposition; Hereditary Cancer Syndrome; Hereditary neoplastic syndrome; Neoplastic Syndromes, Hereditary. Identifiers: Orphanet 140162, MedGen C0027672, MeSH D009386, MONDO:0015356.
DICER1-related tumor predisposition. Also called: DICER1 syndrome; DICER1-related pleuropulmonary blastoma cancer predisposition syndrome. Identifiers: Orphanet 284343, MedGen C3839822, MONDO:0100216.

Submissions (2):

Ambry Genetics
Classification: Uncertain significance for Hereditary cancer-predisposing syndrome. Last evaluated: 2026-08-31. Review status: criteria provided, single submitter. Criteria: Ambry Variant Classification Scheme 2023. Collection method: clinical testing. Allele origin: germline.
Comment: The p.G29V variant (also known as c.86G>T), located in coding exon 1 of the DICER1 gene, results from a G to T substitution at nucleotide position 86. The glycine at codon 29 is replaced by valine, an amino acid with dissimilar properties. This amino acid position is conserved. In addition, this alteration is predicted to be deleterious by in silico analysis. Based on the available evidence, the clinical significance of this variant remains unclear.

Labcorp Genetics (formerly Invitae), Labcorp
Classification: Uncertain significance for DICER1-related tumor predisposition. Last evaluated: 2025-10-07. Review status: criteria provided, single submitter. Criteria: Invitae Variant Classification Sherloc (09022015). Collection method: clinical testing. Allele origin: germline.
Comment: This sequence change replaces glycine, which is neutral and non-polar, with valine, which is neutral and non-polar, at codon 29 of the DICER1 protein (p.Gly29Val). This variant is not present in population databases (gnomAD no frequency). This variant has not been reported in the literature in individuals affected with DICER1-related conditions. ClinVar contains an entry for this variant (Variation ID: 2125852). Invitae Evidence Modeling of protein sequence and biophysical properties (such as structural, functional, and spatial information, amino acid conservation, physicochemical variation, residue mobility, and thermodynamic stability) indicates that this missense variant is not expected to disrupt DICER1 protein function with a negative predictive value of 95%. In summary, the available evidence is currently insufficient to determine the role of this variant in disease. Therefore, it has been classified as a Variant of Uncertain Significance.

NM_177438.3(DICER1):c.86G>T (p.Gly29Val)

Gene: DICER1 (dicer 1, ribonuclease III; minus strand). Cytogenetic location: 14q32.13.
Variant type: single nucleotide variant.
Coding change: c.86G>T on transcript NM_177438.3 (MANE Select); coding-DNA position 86, G replaced by T.
Protein change: p.Gly29Val; replaces glycine 29 with valine.
Molecular consequence: missense variant. On other transcripts: 5 prime UTR variant (8), non-coding transcript variant (6), intron variant (1).
Genome position (GRCh38, 1-based): chr14:95,133,373, C>A on the plus strand (G>T on the coding strand, the complement: DICER1 is on the minus strand). VCF-style: chr14-95133373-C-A. GRCh37 (hg19) VCF-style: chr14-95599710-C-A.
Other names: c.86G>T, p.Gly29Val (NM_001195573.1, NM_001271282.3, NM_001291628.2 and 15 more transcripts); c.-189G>T (NM_001395686.1, NM_001395688.1, NM_001395689.1 and 3 more transcripts); c.-373G>T (NM_001395691.1); c.-1483G>T (NM_001395697.1); c.-130-696G>T (NM_001395687.1); short protein forms G29V.
Identifiers: ClinVar variation 2125852 (VCV002125852.3), dbSNP rs766491650, ClinGen allele CA390890504.